The following is an entry in ClinVar:

ClinVar aggregate classification (germline): Uncertain significance (1 of 4 stars; one submission).

Submission:

GeneDx
Classification: Uncertain significance. Last evaluated: 2023-12-07. Review status: criteria provided, single submitter. Criteria: GeneDx Variant Classification Process June 2021. Collection method: clinical testing. Allele origin: germline. Affected: yes.
Comment: Has not been previously published as pathogenic or benign to our knowledge; Not observed at significant frequency in large population cohorts (gnomAD); In silico analysis supports that this missense variant has a deleterious effect on protein structure/function

NM_000032.5(ALAS2):c.115C>T (p.Pro39Ser)

Genes: ALAS2 (5'-aminolevulinate synthase 2; minus strand), LOC108663984 (ALAS2 intron 1 and 3 erythroid regulatory elements; plus strand). Cytogenetic location: Xp11.21.
Variant type: single nucleotide variant.
Coding change: c.115C>T on transcript NM_000032.5 (MANE Select); coding-DNA position 115, C replaced by T.
Protein change: p.Pro39Ser; replaces proline 39 with serine.
Molecular consequence: missense variant.
Genome position (GRCh38, 1-based): chrX:55,025,886, G>A on the plus strand (C>T on the coding strand, the complement: ALAS2 is on the minus strand). VCF-style: chrX-55025886-G-A. GRCh37 (hg19) VCF-style: chrX-55052319-G-A.
Other names: c.115C>T, p.Pro39Ser (NM_001037967.4); c.187C>T, p.Pro63Ser (NM_001037968.4); short protein forms P39S, P63S.
Identifiers: ClinVar variation 3365374 (VCV003365374.1).
Genomic context (GRCh38, chrX:55,025,886, plus strand): 5'-CAGCCTTTGTTGCCTTAAGGTGGATTTGAGAACAGTTTGGTCCTTGGGTAGCCAGGATGG[G>A]ACAGCGTCCAATACCAAACAGGAACTGGTGAGTCTTAACCACCTTGCCTAGGAGGCTTGT-3'
Protein context (NP_000023.2, residues 29-49): HQFLFGIGRC[Pro39Ser]ILATQGPNCS